The following is an entry in ClinVar:

ClinVar aggregate classification (germline): Uncertain significance (1 of 4 stars; one submission).

Allele frequency attached by ClinVar (database versions not stated): gnomAD exomes below 0.00001.
gnomAD v4.1: 1 of 1,613,050 alleles (0.000062%); highest among the groups gnomAD compares: Non-Finnish European, 0.000085%; no homozygotes.

Submission:

Labcorp Genetics (formerly Invitae), Labcorp
Classification: Uncertain significance. Last evaluated: 2022-07-26. Review status: criteria provided, single submitter. Criteria: Invitae Variant Classification Sherloc (09022015). Collection method: clinical testing. Allele origin: germline.
Comment: In summary, the available evidence is currently insufficient to determine the role of this variant in disease. Therefore, it has been classified as a Variant of Uncertain Significance. Algorithms developed to predict the effect of missense changes on protein structure and function (SIFT, PolyPhen-2, Align-GVGD) all suggest that this variant is likely to be disruptive. ClinVar contains an entry for this variant (Variation ID: 951207). This variant has not been reported in the literature in individuals affected with DHX38-related conditions. This variant is present in population databases (no rsID available, gnomAD 0.0009%). This sequence change replaces glycine, which is neutral and non-polar, with tryptophan, which is neutral and slightly polar, at codon 285 of the DHX38 protein (p.Gly285Trp).

NM_014003.4(DHX38):c.853G>T (p.Gly285Trp)

Gene: DHX38 (DEAH-box helicase 38; plus strand). Cytogenetic location: 16q22.2.
Variant type: single nucleotide variant.
Coding change: c.853G>T on transcript NM_014003.4 (MANE Select); coding-DNA position 853, G replaced by T.
Protein change: p.Gly285Trp; replaces glycine 285 with tryptophan.
Molecular consequence: missense variant.
Genome position (GRCh38, 1-based): chr16:72,099,015, G>T. VCF-style: chr16-72099015-G-T. GRCh37 (hg19) VCF-style: chr16-72132914-G-T.
Other names: short protein forms G285W.
Identifiers: ClinVar variation 951207 (VCV000951207.7), dbSNP rs1226114015, ClinGen allele CA396703545.